The following is an entry in ClinVar:

NM_001040202.2(PAQR3):c.90G>A (p.Leu30=)

Genes: PAQR3 (progestin and adipoQ receptor family member 3; minus strand), LOC129992736 (ATAC-STARR-seq lymphoblastoid silent region 15515; plus strand). Cytogenetic location: 4q21.21.
Variant type: single nucleotide variant.
Coding change: c.90G>A on transcript NM_001040202.2 (MANE Select); coding-DNA position 90, G replaced by A.
Protein change: p.Leu30=; no amino-acid change (leucine 30 retained).
Molecular consequence: synonymous variant. On other transcripts: 5 prime UTR variant (2), non-coding transcript variant (4).
Genome position (GRCh38, 1-based): chr4:78,939,135, C>T on the plus strand (G>A on the coding strand, the complement: PAQR3 is on the minus strand). VCF-style: chr4-78939135-C-T. GRCh37 (hg19) VCF-style: chr4-79860289-C-T.
Other names: c.-158G>A (NM_001350105.2); c.-339G>A (NM_001350106.2).
Identifiers: ClinVar variation 2654839 (VCV002654839.24), dbSNP rs150501146, ClinGen allele CA2981058.
Genomic context (GRCh38, chr4:78,939,135, plus strand): 5'-GTAGCCGTCGGTGATGTACGGGTTGTCCTTGAGGGACCCGGGGATCTGCTCGTAGGTGTA[C>T]AGGCGGATGCCACGGGGCACCAGGACCGGCCAGTACTGGTAGCTGCCCAGCTCGATGTAA-3'
Protein context (NP_001035292.1, residues 20-40): WPVLVPRGIR[Leu30=]YTYEQIPGSL

ClinVar aggregate classification (germline): Likely benign (1 of 4 stars; one submission).

Allele frequency attached by ClinVar (database versions not stated): gnomAD 0.00019; ExAC 0.00022; gnomAD exomes 0.00022; ESP Exome Variant Server 0.00023; TOPMed 0.00043; 1000 Genomes Project 0.00100; 1000 Genomes Project 30x 0.00125.
gnomAD v4.1: 383 of 1,613,854 alleles (0.024%); highest among the groups gnomAD compares: Middle Eastern, 0.21%; 1 homozygote.

Submission:

CeGaT Center for Human Genetics Tuebingen
Classification: Likely benign. Last evaluated: 2022-09-01. Review status: criteria provided, single submitter. Criteria: CeGaT Center For Human Genetics Tuebingen Variant Classification Criteria Version 2. Collection method: clinical testing. Allele origin: germline. Affected: yes. Observed: 1 variant allele.
Comment: PAQR3: BP4, BP7